The following is an entry in ClinVar:

NM_001128178.3(NPHP1):c.836C>T (p.Thr279Met)

Gene: NPHP1 (nephrocystin 1; minus strand). Cytogenetic location: 2q13.
Variant type: single nucleotide variant.
Coding change: c.836C>T on transcript NM_001128178.3 (MANE Select); coding-DNA position 836, C replaced by T.
Protein change: p.Thr279Met; replaces threonine 279 with methionine.
Molecular consequence: missense variant.
Genome position (GRCh38, 1-based): chr2:110,163,071, G>A on the plus strand (C>T on the coding strand, the complement: NPHP1 is on the minus strand). VCF-style: chr2-110163071-G-A. GRCh37 (hg19) VCF-style: chr2-110920648-G-A.
Other names: c.1004C>T, p.Thr335Met (NM_000272.5); c.647C>T, p.Thr216Met (NM_001128179.3); c.833C>T, p.Thr278Met (NM_001374256.1); c.836C>T, p.Thr279Met (NM_001374257.1); c.1001C>T, p.Thr334Met (NM_207181.4); short protein forms T335M, T279M, T216M, T334M, T278M.
Identifiers: ClinVar variation 501325 (VCV000501325.43), dbSNP rs200201945, ClinGen allele CA1827210.
Genomic context (GRCh38, chr2:110,163,071, plus strand): 5'-TGCTGAAAGAGTGCAGTGGCTGATAGGCACGCATTACCTTCCTCCAGAAGCTGTGAGAGC[G>A]TGGAAGGCCTGAACCCTGCAGGAATAGCTCCCATCGTAGTTAACACATCAACAGTGTTTA-3'
Protein context (NP_001121650.1, residues 269-289): GAIPAGFRPS[Thr279Met]LSQLLEEGNQ

ClinVar aggregate classification (germline): Benign/Likely benign. Review status: criteria provided, multiple submitters, no conflicts (2 of 4 stars). 5 submissions from 5 submitters: Benign (2); Likely benign (3). Last evaluated 2026-02-04.

Conditions:
Joubert syndrome with renal defect. Also called: JOUBERT SYNDROME 4. Identifiers: Orphanet 220497, MedGen C1846790, MONDO:0012308, OMIM 609583.
Nephronophthisis 1 (NPHP1). Also called: Nephronophthisis familial juvenile. Identifiers: Orphanet 655, Orphanet 93592, MedGen C1855681, MONDO:0009728, OMIM 256100.
Senior-Loken syndrome 1 (SLSN1). Also called: JUVENILE NEPHRONOPHTHISIS WITH LEBER AMAUROSIS. Identifiers: Orphanet 3156, MedGen C4551559, MONDO:0009962, OMIM 266900.
Nephronophthisis. Also called: Juvenile Nephronophthisis. Identifiers: Orphanet 655, MedGen C0687120, MONDO:0019005, HP:0000090.

Allele frequency attached by ClinVar (database versions not stated): gnomAD 0.00033 and 0.00060; gnomAD exomes 0.00050 and 0.00090; ExAC 0.00100; 1000 Genomes Project 30x 0.00234; 1000 Genomes Project 0.00300; TOPMed 0.00029.
gnomAD v4.1: 823 of 1,613,204 alleles (0.051%); highest among the groups gnomAD compares: South Asian, 0.65%; 12 homozygotes.

Submissions (5):

Labcorp Genetics (formerly Invitae), Labcorp
Classification: Benign for Nephronophthisis. Last evaluated: 2026-02-04. Review status: criteria provided, single submitter. Criteria: Invitae Variant Classification Sherloc (09022015). Collection method: clinical testing. Allele origin: germline.

Blueprint Genetics
Classification: Likely benign. Last evaluated: 2024-11-07. Review status: criteria provided, single submitter. Criteria: ACMG Guidelines, 2015. Collection method: clinical testing. Allele origin: germline.

CeGaT Center for Human Genetics Tuebingen
Classification: Likely benign. Last evaluated: 2023-10-01. Review status: criteria provided, single submitter. Criteria: CeGaT Center For Human Genetics Tuebingen Variant Classification Criteria Version 2. Collection method: clinical testing. Allele origin: germline. Affected: yes. Observed: 1 variant allele.
Comment: NPHP1: BP4, BS2

Fulgent Genetics
Classification: Likely benign for Nephronophthisis 1; Senior-Loken syndrome 1; Joubert syndrome with renal defect. Last evaluated: 2021-11-08. Review status: criteria provided, single submitter. Criteria: ACMG Guidelines, 2015. Collection method: clinical testing. Allele origin: unknown.

Eurofins Ntd Llc (ga)
Classification: Benign. Last evaluated: 2017-04-06. Review status: criteria provided, single submitter. Criteria: EGL Classification Definitions 2015. Collection method: clinical testing. Allele origin: germline. Observed: 1 variant allele, 1 heterozygote.